The following is an entry in ClinVar:

ClinVar aggregate classification (germline): Likely benign. Review status: criteria provided, single submitter (1 of 4 stars). 2 submissions from 2 submitters: Likely benign (1). 1 of the submissions does not count toward it. Last evaluated 2016-05-24.

Allele frequency attached by ClinVar (database versions not stated): gnomAD 0.00001; gnomAD exomes 0.00001; TOPMed 0.00001.
gnomAD v4.1: 12 of 973,896 alleles (0.0012%); highest among the groups gnomAD compares: Admixed American, 0.017%; no homozygotes.

Submissions (2):

GeneDx
Classification: Likely benign. Last evaluated: 2016-05-24. Review status: criteria provided, single submitter. Criteria: GeneDx Variant Classification (06012015). Collection method: clinical testing. Allele origin: germline. Affected: yes.
Comment: This variant is considered likely benign or benign based on one or more of the following criteria: it is a conservative change, it occurs at a poorly conserved position in the protein, it is predicted to be benign by multiple in silico algorithms, and/or has population frequency not consistent with disease.

Leiden Muscular Dystrophy (MYL3)
No classification provided. Review status: no classification provided. Collection method: not provided. Allele origin: germline. Not counted in ClinVar's aggregate classification.

NM_000258.3(MYL3):c.*27G>A

Gene: MYL3 (myosin light chain 3; minus strand). Cytogenetic location: 3p21.31.
Variant type: single nucleotide variant.
Coding change: c.*27G>A on transcript NM_000258.3 (MANE Select); 27 bases downstream of the stop codon, G replaced by A.
Molecular consequence: 3 prime UTR variant.
Genome position (GRCh38, 1-based): chr3:46,858,088, C>T on the plus strand (G>A on the coding strand, the complement: MYL3 is on the minus strand). VCF-style: chr3-46858088-C-T. GRCh37 (hg19) VCF-style: chr3-46899578-C-T.
Identifiers: ClinVar variation 132975 (VCV000132975.1), dbSNP rs199474710, ClinGen allele CA013700.